The following is an entry in ClinVar:

NM_022336.4(EDAR):c.442+5del

Genes: EDAR (ectodysplasin A receptor; minus strand), RANBP2 (RAN binding protein 2; plus strand). Cytogenetic location: 2q13.
Variant type: Deletion.
Coding change: c.442+5del on transcript NM_022336.4 (MANE Select); 5 bases into the intron after coding-DNA position 442, one base deleted (G; older notation c.442+5delG).
Molecular consequence: intron variant.
Genome position (GRCh38, 1-based): chr2:108,923,363, C deleted on the plus strand (G on the coding strand, the reverse complement: EDAR is on the minus strand). VCF-style (leftmost placement, unchanged base first): chr2-108923362-AC-A. GRCh37 (hg19) VCF-style: chr2-109539818-AC-A.
Identifiers: ClinVar variation 2120011 (VCV002120011.4), dbSNP rs2470708552, ClinGen allele CA2580063721.

ClinVar aggregate classification (germline): Uncertain significance (1 of 4 stars; one submission).

Conditions:
Autosomal recessive hypohidrotic ectodermal dysplasia syndrome. Also called: Autosomal recessive hypohidrotic ectodermal dysplasia. Identifiers: Orphanet 248, MedGen C0406702, MONDO:0016619.
Ectodermal dysplasia 10A, hypohidrotic/hair/nail type, autosomal dominant (ECTD10A). Also called: Ectodermal Dysplasia 3, Anhidrotic. Identifiers: Orphanet 1810, Orphanet 238468, MedGen C3888065, MONDO:0007509, OMIM 129490.

Submission:

Labcorp Genetics (formerly Invitae), Labcorp
Classification: Uncertain significance for Ectodermal dysplasia 10A, hypohidrotic/hair/nail type, autosomal dominant; Autosomal recessive hypohidrotic ectodermal dysplasia syndrome. Last evaluated: 2022-05-05. Review status: criteria provided, single submitter. Criteria: Invitae Variant Classification Sherloc (09022015). Collection method: clinical testing. Allele origin: germline.
Comment: This sequence change falls in intron 5 of the EDAR gene. It does not directly change the encoded amino acid sequence of the EDAR protein. It affects a nucleotide within the consensus splice site. This variant is not present in population databases (gnomAD no frequency). This variant has been observed in individual(s) with tooth agenesis (Invitae). Variants that disrupt the consensus splice site are a relatively common cause of aberrant splicing (PMID: 17576681, 9536098). Algorithms developed to predict the effect of sequence changes on RNA splicing suggest that this variant may disrupt the consensus splice site. In summary, the available evidence is currently insufficient to determine the role of this variant in disease. Therefore, it has been classified as a Variant of Uncertain Significance.

Literature cited by the submitters: PubMed 17576681; PubMed 9536098.